The following is an entry in ClinVar:

ClinVar aggregate classification (germline): Pathogenic (1 of 4 stars; one submission).

Conditions:
Developmental and epileptic encephalopathy, 2 (DEE2). Also called: INFANTILE SPASM SYNDROME, X-LINKED 2; CDKL5 deficiency disorder. Identifiers: Orphanet 1934, Orphanet 3451, Orphanet 505652, MedGen C4750718, MONDO:0010396, OMIM 300672.
Angelman syndrome-like. Identifiers: MedGen CN128785.

Submission:

Labcorp Genetics (formerly Invitae), Labcorp
Classification: Pathogenic for Developmental and epileptic encephalopathy, 2; Angelman syndrome-like. Last evaluated: 2025-05-12. Review status: criteria provided, single submitter. Criteria: Invitae Variant Classification Sherloc (09022015). Collection method: clinical testing. Allele origin: germline.
Comment: This sequence change creates a premature translational stop signal (p.Pro754Aspfs*32) in the CDKL5 gene. It is expected to result in an absent or disrupted protein product. Loss-of-function variants in CDKL5 are known to be pathogenic (PMID: 22872100). This variant is not present in population databases (gnomAD no frequency). This variant has not been reported in the literature in individuals affected with CDKL5-related conditions. ClinVar contains an entry for this variant (Variation ID: 2921951). For these reasons, this variant has been classified as Pathogenic.

Literature cited by the submitters: PubMed 22872100.

NM_001323289.2(CDKL5):c.2255_2259dup (p.Pro754fs)

Gene: CDKL5 (cyclin dependent kinase like 5; plus strand). Cytogenetic location: Xp22.13.
Variant type: Duplication.
Coding change: c.2255_2259dup on transcript NM_001323289.2 (MANE Select); coding-DNA positions 2255 to 2259, 5 bases duplicated (GACAA; older notation c.2255_2259dupGACAA).
Protein change: p.Pro754fs; shifts the reading frame from proline 754.
Molecular consequence: frameshift variant.
Genome position (GRCh38, 1-based): chrX:18,613,254-18,613,258, GACAA duplicated; duplicating any 5 consecutive bases within chrX:18,613,252-18,613,258 gives the same sequence; the c. name uses the placement nearest the transcript's 3' end. VCF-style (leftmost placement, unchanged base first): chrX-18613251-A-AAAGAC. GRCh37 (hg19) VCF-style: chrX-18631371-A-AAAGAC.
Other names: c.2255_2259dup, p.Pro754fs (NM_001037343.2, NM_003159.3); short protein forms P754fs.
Identifiers: ClinVar variation 2921951 (VCV002921951.3), dbSNP rs2518884945, ClinGen allele CA2740092049.